The following is an entry in ClinVar:

ClinVar aggregate classification (germline): Uncertain significance (1 of 4 stars; one submission).

Conditions:
Episodic kinesigenic dyskinesia (EKD). Also called: Paroxysmal kinesigenic dyskinesia. Identifiers: Orphanet 98809, MedGen C1868682, MONDO:0044202.

Allele frequency attached by ClinVar (database versions not stated): gnomAD exomes below 0.00001.
gnomAD v4.1: 3 of 1,613,906 alleles (0.00019%); highest among the groups gnomAD compares: South Asian, 0.0011%; no homozygotes.

Submission:

Labcorp Genetics (formerly Invitae), Labcorp
Classification: Uncertain significance for Episodic kinesigenic dyskinesia. Last evaluated: 2022-02-05. Review status: criteria provided, single submitter. Criteria: Invitae Variant Classification Sherloc (09022015). Collection method: clinical testing. Allele origin: germline.
Comment: This sequence change replaces proline, which is neutral and non-polar, with leucine, which is neutral and non-polar, at codon 48 of the PRRT2 protein (p.Pro48Leu). In summary, the available evidence is currently insufficient to determine the role of this variant in disease. Therefore, it has been classified as a Variant of Uncertain Significance. Algorithms developed to predict the effect of missense changes on protein structure and function output the following: SIFT: "Tolerated"; PolyPhen-2: "Benign"; Align-GVGD: "Class C0". The leucine amino acid residue is found in multiple mammalian species, which suggests that this missense change does not adversely affect protein function. ClinVar contains an entry for this variant (Variation ID: 1053369). This variant has not been reported in the literature in individuals affected with PRRT2-related conditions. This variant is present in population databases (rs539726929, gnomAD 0.0009%).

NM_145239.3(PRRT2):c.143C>T (p.Pro48Leu)

Genes: MVP-DT (MVP divergent transcript; minus strand), PRRT2 (proline rich transmembrane protein 2; plus strand). Cytogenetic location: 16p11.2.
Variant type: single nucleotide variant.
Coding change: c.143C>T on transcript NM_145239.3 (MANE Select); coding-DNA position 143, C replaced by T.
Protein change: p.Pro48Leu; replaces proline 48 with leucine.
Molecular consequence: missense variant.
Genome position (GRCh38, 1-based): chr16:29,813,197, C>T. VCF-style: chr16-29813197-C-T. GRCh37 (hg19) VCF-style: chr16-29824518-C-T.
Other names: c.143C>T, p.Pro48Leu (NM_001256442.2, NM_001256443.2); short protein forms P48L.
Identifiers: ClinVar variation 1053369 (VCV001053369.11), dbSNP rs539726929, ClinGen allele CA280409073.
Genomic context (GRCh38, chr16:29,813,197, plus strand): 5'-CTGAAGCTGAAACTGGCCCTCCCCAGGTCCTAGCAGGGGTACCAGACCAGCCAGAGGCCC[C>T]GCAGCCAGGTCCAAACACCACTGCGGCCCCTGTGGACTCAGGGCCCAAGGCTGGGCTGGC-3'
Protein context (NP_660282.2, residues 38-58): LAGVPDQPEA[Pro48Leu]QPGPNTTAAP